The following is an entry in ClinVar:

ClinVar aggregate classification (germline): Conflicting classifications of pathogenicity. Review status: criteria provided, conflicting classifications (1 of 4 stars). 3 submissions from 3 submitters: Uncertain significance (1); Likely benign (1). 1 of the submissions does not count toward it. Last evaluated 2024-08-30.

Conditions:
Obesity due to leptin receptor gene deficiency. Identifiers: Orphanet 179494, MedGen C3554225, MONDO:0013992, OMIM 614963.
LEPR-related disorder. Also called: LEPR-related condition; LEPR-related disorders.

Allele frequency attached by ClinVar (database versions not stated): gnomAD 0.00001 and 0.00002; TOPMed 0.00009; gnomAD exomes 0.00014; ExAC 0.00015; 1000 Genomes Project 30x 0.00016; 1000 Genomes Project 0.00020.
gnomAD v4.1: 46 of 1,614,114 alleles (0.0028%); highest among the groups gnomAD compares: East Asian, 0.065%; no homozygotes.

Submissions (3):

Blueprint Genetics
Classification: Likely benign. Last evaluated: 2024-08-30. Review status: criteria provided, single submitter. Criteria: ACMG Guidelines, 2015. Collection method: clinical testing. Allele origin: germline.

Illumina Laboratory Services, Illumina
Classification: Uncertain significance for Obesity due to leptin receptor gene deficiency. Last evaluated: 2018-01-12. Review status: criteria provided, single submitter. Criteria: ICSL Variant Classification Criteria 13 December 2019. Collection method: clinical testing. Allele origin: germline.

PreventionGenetics, part of Exact Sciences
Classification: Likely benign for LEPR-related condition. Last evaluated: 2019-07-17. Review status: no assertion criteria provided. Collection method: clinical testing. Allele origin: germline. Not counted in ClinVar's aggregate classification.
Comment: This variant is classified as likely benign based on ACMG/AMP sequence variant interpretation guidelines (Richards et al. 2015 PMID: 25741868, with internal and published modifications).

NM_002303.6(LEPR):c.2046C>T (p.Asn682=)

Genes: LEPR (leptin receptor; plus strand), LOC122094844 (Sharpr-MPRA regulatory region 5730; plus strand). Cytogenetic location: 1p31.3.
Variant type: single nucleotide variant.
Coding change: c.2046C>T on transcript NM_002303.6 (MANE Select); coding-DNA position 2046, C replaced by T.
Protein change: p.Asn682=; no amino-acid change (asparagine 682 retained).
Molecular consequence: synonymous variant.
Genome position (GRCh38, 1-based): chr1:65,616,058, C>T. VCF-style: chr1-65616058-C-T. GRCh37 (hg19) VCF-style: chr1-66081741-C-T.
Other names: c.2046C>T, p.Asn682= (NM_001003679.3, NM_001003680.3, NM_001198687.2 and 2 more transcripts).
Identifiers: ClinVar variation 874955 (VCV000874955.7), dbSNP rs192825082, ClinGen allele CA894944.